The following is an entry in ClinVar:

NM_004360.5(CDH1):c.2186T>G (p.Leu729Arg)

Gene: CDH1 (cadherin 1; plus strand). Cytogenetic location: 16q22.1.
Variant type: single nucleotide variant.
Coding change: c.2186T>G on transcript NM_004360.5 (MANE Select); coding-DNA position 2186, T replaced by G.
Protein change: p.Leu729Arg; replaces leucine 729 with arginine.
Molecular consequence: missense variant.
Genome position (GRCh38, 1-based): chr16:68,828,195, T>G. VCF-style: chr16-68828195-T-G. GRCh37 (hg19) VCF-style: chr16-68862098-T-G.
Other names: c.2003T>G, p.Leu668Arg (NM_001317184.2); c.638T>G, p.Leu213Arg (NM_001317185.2); c.221T>G, p.Leu74Arg (NM_001317186.2); short protein forms L213R, L668R, L729R, L74R.
Identifiers: ClinVar variation 3063909 (VCV003063909.1), dbSNP rs1567515336, ClinGen allele CA396469390.

ClinVar aggregate classification (germline): Uncertain significance (1 of 4 stars; one submission).

Submission:

Women's Health and Genetics/Laboratory Corporation of America, LabCorp
Classification: Uncertain significance. Last evaluated: 2024-01-02. Review status: criteria provided, single submitter. Criteria: LabCorp Variant Classification Summary - May 2015. Collection method: clinical testing. Allele origin: germline.
Comment: Variant summary: CDH1 c.2186T>G (p.Leu729Arg) results in a non-conservative amino acid change in the encoded protein sequence. Four of five in-silico tools predict a damaging effect of the variant on protein function. The variant was absent in 251406 control chromosomes. The available data on variant occurrences in the general population are insufficient to allow any conclusion about variant significance. To our knowledge, no occurrence of c.2186T>G in individuals affected with Hereditary Diffuse Gastric Cancer and no experimental evidence demonstrating its impact on protein function have been reported. No submitters have cited clinical-significance assessments for this variant to ClinVar after 2014. Based on the evidence outlined above, the variant was classified as uncertain significance.